The following is an entry in ClinVar:

ClinVar aggregate classification (germline): Benign. Review status: criteria provided, single submitter (1 of 4 stars). 2 submissions from 2 submitters: Benign (1). 1 of the submissions does not count toward it. Last evaluated 2025-11-27.

Conditions:
LTBP3-related disorder. Also called: LTBP3-related condition.
Brachyolmia-amelogenesis imperfecta syndrome. Also called: PLATYSPONDYLY WITH AMELOGENESIS IMPERFECTA; Tooth agenesis, selective, 6; Dental anomalies and short stature. Identifiers: Orphanet 2899, MedGen C1832594, MONDO:0011018, OMIM 601216. Disease mechanism: loss of function.

Allele frequency attached by ClinVar (database versions not stated): ESP Exome Variant Server 0.00015.

Submissions (2):

Labcorp Genetics (formerly Invitae), Labcorp
Classification: Benign for Brachyolmia-amelogenesis imperfecta syndrome. Last evaluated: 2025-11-27. Review status: criteria provided, single submitter. Criteria: Invitae Variant Classification Sherloc (09022015). Collection method: clinical testing. Allele origin: germline.

PreventionGenetics, part of Exact Sciences
Classification: Likely benign for LTBP3-related condition. Last evaluated: 2024-03-27. Review status: no assertion criteria provided. Collection method: clinical testing. Allele origin: germline. Not counted in ClinVar's aggregate classification.
Comment: This variant is classified as likely benign based on ACMG/AMP sequence variant interpretation guidelines (Richards et al. 2015 PMID: 25741868, with internal and published modifications).

NM_001130144.3(LTBP3):c.1846+7G>T

Gene: LTBP3 (latent transforming growth factor beta binding protein 3; minus strand). Cytogenetic location: 11q13.1.
Variant type: single nucleotide variant.
Coding change: c.1846+7G>T on transcript NM_001130144.3 (MANE Select); 7 bases into the intron after coding-DNA position 1846, G replaced by T.
Molecular consequence: intron variant.
Genome position (GRCh38, 1-based): chr11:65,547,913, C>A on the plus strand (G>T on the coding strand, the complement: LTBP3 is on the minus strand). VCF-style: chr11-65547913-C-A. GRCh37 (hg19) VCF-style: chr11-65315384-C-A.
Other names: c.1495+7G>T (NM_001164266.1); c.1846+7G>T (NM_021070.4, NM_001130144.2).
Identifiers: ClinVar variation 1601239 (VCV001601239.9), dbSNP rs371976916, ClinGen allele CA6100838.